The following is an entry in ClinVar:

NM_000245.4(MET):c.2504A>G (p.Tyr835Cys)

Gene: MET (MET proto-oncogene, receptor tyrosine kinase; plus strand). Cytogenetic location: 7q31.2.
Variant type: single nucleotide variant.
Coding change: c.2504A>G on transcript NM_000245.4 (MANE Select); coding-DNA position 2504, A replaced by G.
Protein change: p.Tyr835Cys; replaces tyrosine 835 with cysteine.
Molecular consequence: missense variant.
Genome position (GRCh38, 1-based): chr7:116,763,189, A>G. VCF-style: chr7-116763189-A-G. GRCh37 (hg19) VCF-style: chr7-116403243-A-G.
Other names: c.2558A>G, p.Tyr853Cys (NM_001127500.3); c.2504A>G, p.Tyr835Cys (NM_001324401.3); c.1214A>G, p.Tyr405Cys (NM_001324402.2); short protein forms Y405C, Y835C, Y853C.
Identifiers: ClinVar variation 3606651 (VCV003606651.2).

ClinVar aggregate classification (germline): Uncertain significance (1 of 4 stars; one submission).

Conditions:
Renal cell carcinoma. Identifiers: Orphanet 217071, MedGen C0007134, MeSH D002292, MONDO:0005086, HP:0005584.

gnomAD v4.1: 1 of 1,614,060 alleles (0.000062%); no homozygotes.

Submission:

Labcorp Genetics (formerly Invitae), Labcorp
Classification: Uncertain significance for Renal cell carcinoma. Last evaluated: 2025-11-04. Review status: criteria provided, single submitter. Criteria: Invitae Variant Classification Sherloc (09022015). Collection method: clinical testing. Allele origin: germline.
Comment: This sequence change replaces tyrosine, which is neutral and polar, with cysteine, which is neutral and slightly polar, at codon 853 of the MET protein (p.Tyr853Cys). This variant is not present in population databases (gnomAD no frequency). This variant has not been reported in the literature in individuals affected with MET-related conditions. ClinVar contains an entry for this variant (Variation ID: 3606651). An algorithm developed to predict the effect of missense changes on protein structure and function (PolyPhen-2) suggests that this variant is likely to be disruptive. In summary, the available evidence is currently insufficient to determine the role of this variant in disease. Therefore, it has been classified as a Variant of Uncertain Significance.